The following is an entry in ClinVar:

NM_006231.4(POLE):c.519C>T (p.Ala173=)

Gene: POLE (DNA polymerase epsilon, catalytic subunit; minus strand). Cytogenetic location: 12q24.33.
Variant type: single nucleotide variant.
Coding change: c.519C>T on transcript NM_006231.4 (MANE Select); coding-DNA position 519, C replaced by T.
Protein change: p.Ala173=; no amino-acid change (alanine 173 retained).
Molecular consequence: synonymous variant.
Genome position (GRCh38, 1-based): chr12:132,679,556, G>A on the plus strand (C>T on the coding strand, the complement: POLE is on the minus strand). VCF-style: chr12-132679556-G-A. GRCh37 (hg19) VCF-style: chr12-133256142-G-A.
Identifiers: ClinVar variation 413504 (VCV000413504.26), dbSNP rs187690610, ClinGen allele CA6894297.

ClinVar aggregate classification (germline): Benign/Likely benign. Review status: criteria provided, multiple submitters, no conflicts (2 of 4 stars). 10 submissions from 10 submitters: Benign (3); Likely benign (7). Last evaluated 2026-08-01.

Conditions:
Hereditary cancer-predisposing syndrome. Also called: Hereditary neoplastic syndrome; Neoplastic Syndromes, Hereditary; Hereditary Cancer Syndrome; Tumor predisposition. Identifiers: Orphanet 140162, MedGen C0027672, MeSH D009386, MONDO:0015356.
Colorectal cancer, susceptibility to, 12 (CRCS12). Also called: COLORECTAL CANCER, SUSCEPTIBILITY TO, ON CHROMOSOME 12q24. Identifiers: Orphanet 220460, MedGen C3554460, MONDO:0014038, OMIM 615083.

Allele frequency attached by ClinVar (database versions not stated): gnomAD exomes 0.00005 and 0.00012; ExAC 0.00013; TOPMed 0.00015; gnomAD 0.00021 and 0.00023; 1000 Genomes Project 0.00060; 1000 Genomes Project 30x 0.00062.
gnomAD v4.1: 106 of 1,614,028 alleles (0.0066%); highest among the groups gnomAD compares: Middle Eastern, 0.082%; no homozygotes.

Submissions (10):

CeGaT Center for Human Genetics Tuebingen
Classification: Likely benign. Last evaluated: 2026-08-01. Review status: criteria provided, single submitter. Criteria: CeGaT Center For Human Genetics Tuebingen Variant Classification Criteria Version 2. Collection method: clinical testing. Allele origin: germline. Affected: yes. Observed: 1 variant allele.
Comment: POLE: BP4, BP7

Labcorp Genetics (formerly Invitae), Labcorp
Classification: Likely benign. Last evaluated: 2026-02-03. Review status: criteria provided, single submitter. Criteria: Invitae Variant Classification Sherloc (09022015). Collection method: clinical testing. Allele origin: germline.

Center for Genomic Medicine, Rigshospitalet, Copenhagen University Hospital
Classification: Likely benign. Last evaluated: 2025-03-04. Review status: criteria provided, single submitter. Criteria: ACMG Guidelines, 2015. Collection method: clinical testing. Allele origin: germline.

KCCC/NGS Laboratory, Kuwait Cancer Control Center
Classification: Benign for Colorectal cancer, susceptibility to, 12. Last evaluated: 2025-02-01. Review status: criteria provided, single submitter. Criteria: ACMG Guidelines, 2015. Collection method: clinical testing. Allele origin: germline. Affected: no.

Blueprint Genetics
Classification: Likely benign. Last evaluated: 2024-10-11. Review status: criteria provided, single submitter. Criteria: ACMG Guidelines, 2015. Collection method: clinical testing. Allele origin: germline.

Women's Health and Genetics/Laboratory Corporation of America, LabCorp
Classification: Benign. Last evaluated: 2022-04-28. Review status: criteria provided, single submitter. Criteria: LabCorp Variant Classification Summary - May 2015. Collection method: clinical testing. Allele origin: germline.

GeneDx
Classification: Likely benign. Last evaluated: 2020-09-16. Review status: criteria provided, single submitter. Criteria: GeneDx Variant Classification Process June 2021. Collection method: clinical testing. Allele origin: germline. Affected: yes.

Ambry Genetics
Classification: Likely benign for Hereditary cancer-predisposing syndrome. Last evaluated: 2019-05-10. Review status: criteria provided, single submitter. Criteria: Ambry Variant Classification Scheme 2023. Collection method: clinical testing. Allele origin: germline.

Quest Diagnostics Nichols Institute San Juan Capistrano
Classification: Benign. Last evaluated: 2018-11-07. Review status: criteria provided, single submitter. Criteria: Quest Diagnostics criteria. Collection method: clinical testing. Allele origin: germline.

PreventionGenetics, part of Exact Sciences
Classification: Likely benign. Last evaluated: 2017-02-06. Review status: criteria provided, single submitter. Criteria: ACMG Guidelines, 2015. Collection method: clinical testing. Allele origin: germline.